The following is an entry in ClinVar:

ClinVar aggregate classification (germline): Conflicting classifications of pathogenicity. Review status: criteria provided, conflicting classifications (1 of 4 stars). 15 submissions from 15 submitters: Uncertain significance (12); Likely benign (1). 2 of the submissions do not count toward it. Last evaluated 2026-06-19.

Conditions:
ATM-related disorder. Also called: ATM-related disorders; ATM-related condition.
Ataxia-telangiectasia syndrome (AT). Also called: ATAXIA-TELANGIECTASIA, COMPLEMENTATION GROUP A; ATAXIA-TELANGIECTASIA, FRESNO VARIANT; Ataxia-telangiectasia; Ataxia-telangiectasia, complementation group E; Cerebello-oculocutaneous telangiectasia; Immunodeficiency with ataxia telangiectasia. Identifiers: Orphanet 100, MedGen C0004135, MONDO:0008840, OMIM 208900.
Hereditary cancer-predisposing syndrome. Also called: Hereditary Cancer Syndrome; Tumor predisposition; Neoplastic Syndromes, Hereditary; Hereditary neoplastic syndrome. Identifiers: Orphanet 140162, MedGen C0027672, MeSH D009386, MONDO:0015356.
Familial cancer of breast. Also called: hereditary breast carcinoma; BREAST CANCER, FAMILIAL; Hereditary breast cancer. Identifiers: Orphanet 227535, MedGen C0346153, MONDO:0016419, OMIM 114480. Disease mechanism: loss of function.
Malignant tumor of breast. Also called: Malignant breast neoplasm; Cancer breast. Identifiers: MedGen C0006142, MONDO:0007254. Disease mechanism: loss of function.

Allele frequency attached by ClinVar (database versions not stated): 1000 Genomes Project 0.00060; ExAC 0.00009; ESP Exome Variant Server 0.00023; gnomAD 0.00029 and 0.00030; gnomAD exomes 0.00006; TOPMed 0.00022; 1000 Genomes Project 30x 0.00094.
gnomAD v4.1: 86 of 1,614,020 alleles (0.0053%); highest among the groups gnomAD compares: African/African-American, 0.1%; no homozygotes.

Submissions 1 to 9 of 15:

PreventionGenetics, part of Exact Sciences
Classification: Uncertain significance for ATM-related condition. Last evaluated: 2026-06-19. Review status: criteria provided, single submitter. Criteria: ACMG Guidelines, 2015. Collection method: clinical testing. Allele origin: germline.
Comment: The ATM c.7174C>T variant is predicted to result in the amino acid substitution p.Arg2392Trp. This variant has been reported in individuals with breast cancer, prostate cancer, and melanoma (Haiman et al. 2013. PubMed ID: 23555315, Table S6.2; Young et al. 2016. PubMed ID: 26787654, Table S1; Oliver J et al. 2019. PubMed ID: 31921681; Matejcic M et al. 2020. PubMed ID: 32832836; Dalmasso B et al 2021. PubMed ID: 34262154). An experimental study showed this amino acid alteration did not negatively impact ATM function (Hanenberg et al. 2025. PubMed ID: 40105422). This variant is reported in 0.072% of alleles in individuals of African descent in gnomAD and is has conflicting interpretations in ClinVar ranging from uncertain significance to likely benign (Variation ID: 186868). At this time, the clinical significance of this variant is uncertain due to the absence of conclusive functional and genetic evidence.

Labcorp Genetics (formerly Invitae), Labcorp
Classification: Uncertain significance for Ataxia-telangiectasia syndrome. Last evaluated: 2026-01-18. Review status: criteria provided, single submitter. Criteria: Invitae Variant Classification Sherloc (09022015). Collection method: clinical testing. Allele origin: germline.
Comment: This sequence change replaces arginine, which is basic and polar, with tryptophan, which is neutral and slightly polar, at codon 2392 of the ATM protein (p.Arg2392Trp). This variant is present in population databases (rs149827260, gnomAD 0.07%). This missense change has been observed in individual(s) with breast cancer and/or ovarian cancer (PMID: 31921681, 33646313). ClinVar contains an entry for this variant (Variation ID: 186868). Invitae Evidence Modeling of protein sequence and biophysical properties (such as structural, functional, and spatial information, amino acid conservation, physicochemical variation, residue mobility, and thermodynamic stability) has been performed for this missense variant. However, the output from this modeling did not meet the statistical confidence thresholds required to predict the impact of this variant on ATM protein function. RNA analysis performed to evaluate the impact of this missense change on mRNA splicing indicates it does not significantly alter splicing (internal data). In summary, the available evidence is currently insufficient to determine the role of this variant in disease. Therefore, it has been classified as a Variant of Uncertain Significance.

Women's Health and Genetics/Laboratory Corporation of America, LabCorp
Classification: Uncertain significance. Last evaluated: 2025-08-18. Review status: criteria provided, single submitter. Criteria: LabCorp Variant Classification Summary - May 2015. Collection method: clinical testing. Allele origin: germline.
Comment: Variant summary: ATM c.7174C>T (p.Arg2392Trp) results in a non-conservative amino acid change located in the PIK-related kinase, FAT domain (IPR003151) of the encoded protein sequence. Algorithms developed to predict the effect of missense changes on protein structure and function are either unavailable or do not agree on the potential impact of this missense change. The variant allele was found at a frequency of 5.6e-05 in 251310 control chromosomes, predominantly at a frequency of 0.00068 within the African or African-American subpopulation in the gnomAD database. This frequency is not significantly higher than estimated for a pathogenic variant in ATM causing Breast Cancer (5.6e-05 vs 0.001), allowing no conclusion about variant significance. c.7174C>T has been observed as a VUS in settings of multigene panel testing in individuals affected with breast cancer and other cancers (e.g. Young_2015, Haiman_2013, Oliver_2019, George_2021, Singhal_2021, Dalmasso_2021). These reports do not provide unequivocal conclusions about association of the variant with Breast Cancer. To our knowledge, no experimental evidence demonstrating an impact on protein function has been reported. The following publications have been ascertained in the context of this evaluation (PMID: 23555315, 26787654, 31921681, 33850299, 33646313, 34262154). ClinVar contains an entry for this variant (Variation ID: 186868). Based on the evidence outlined above, the variant was classified as uncertain significance.

Color Diagnostics, LLC DBA Color Health
Classification: Uncertain significance for Hereditary cancer-predisposing syndrome. Last evaluated: 2025-02-10. Review status: criteria provided, single submitter. Criteria: ACMG Guidelines, 2015. Collection method: clinical testing. Allele origin: germline.
Comment: This missense variant replaces arginine with tryptophan at codon 2392 of the ATM protein. Computational prediction is inconclusive regarding the impact of this variant on protein structure and function. To our knowledge, functional studies have not been reported for this variant. This variant has been reported in individuals affected with breast cancer (PMID: 33646313; DOI: 10.37047/jos.2024-105033) but did not show a significant association with breast cancer in a case-control study (PMID: 23555315). This variant is relatively common in the population and has been identified in 21/282710 chromosomes (18/24964 African chromosomes) by the Genome Aggregation Database (gnomAD). The available evidence is insufficient to determine the role of this variant in disease conclusively. Therefore, this variant is classified as a Variant of Uncertain Significance.

Athena Diagnostics
Classification: Uncertain significance. Last evaluated: 2024-11-22. Review status: criteria provided, single submitter. Criteria: Athena Diagnostics Criteria. Collection method: clinical testing. Allele origin: unknown.

GeneDx
Classification: Uncertain significance. Last evaluated: 2024-08-14. Review status: criteria provided, single submitter. Criteria: GeneDx Variant Classification Process June 2021. Collection method: clinical testing. Allele origin: germline. Affected: yes.
Comment: In silico analysis supports that this missense variant has a deleterious effect on protein structure/function; In silico analysis suggests this variant may impact gene splicing. In the absence of RNA/functional studies, the actual effect of this sequence change is unknown.; Observed in individuals with a personal or family history including breast, ovarian, prostate, and other cancers (PMID: 23555315, 33646313, 31921681, 34262154, 32885271, 32832836); This variant is associated with the following publications: (PMID: 26787654, 23555315, 33646313, 31921681, 23532176, 32885271, 33850299, 32832836, 34262154)

Ambry Genetics
Classification: Uncertain significance for Hereditary cancer-predisposing syndrome. Last evaluated: 2024-08-05. Review status: criteria provided, single submitter. Criteria: Ambry Variant Classification Scheme 2023. Collection method: clinical testing. Allele origin: germline.
Comment: The p.R2392W variant (also known as c.7174C>T), located in coding exon 48 of the ATM gene, results from a C to T substitution at nucleotide position 7174. The arginine at codon 2392 is replaced by tryptophan, an amino acid with dissimilar properties. This alteration has been reported in multiple cohorts referred for hereditary cancer predisposition testing including breast and/or ovarian and prostate cancer (Haiman CA et al. PLoS Genet, 2013 Mar;9:e1003419; Oliver J et al. Front Oncol, 2019 Dec;9:1429; Matejcic M et al. JCO Precis Oncol, 2020 Jan;4:32-43; George SHL et al. JAMA Netw Open, 2021 03;4:e210307; Lerner-Ellis J et al. J Cancer Res Clin Oncol, 2021 Mar;147:871-879). This amino acid position is highly conserved in available vertebrate species. In addition, this alteration is predicted to be deleterious by in silico analysis. Based on the available evidence, the clinical significance of this variant remains unclear.

Myriad Genetics, Inc.
Classification: Likely benign for Familial cancer of breast. Last evaluated: 2024-06-13. Review status: criteria provided, single submitter. Criteria: Myriad Autosomal Dominant, Autosomal Recessive and X-Linked Classification Criteria (2023). Collection method: clinical testing. Allele origin: unknown.
Comment: This variant is considered likely benign. This variant is strongly associated with less severe personal and family histories of cancer, typical for individuals without pathogenic variants in this gene [PMID: 25085752].

Fulgent Genetics
Classification: Uncertain significance for Familial cancer of breast; Ataxia-telangiectasia syndrome. Last evaluated: 2024-05-13. Review status: criteria provided, single submitter. Criteria: ACMG Guidelines, 2015. Collection method: clinical testing. Allele origin: germline.

NM_000051.4(ATM):c.7174C>T (p.Arg2392Trp)

Genes: C11orf65 (chromosome 11 open reading frame 65; minus strand), ATM (ATM serine/threonine kinase; plus strand). Cytogenetic location: 11q22.3.
Variant type: single nucleotide variant.
Coding change: c.7174C>T on transcript NM_000051.4 (MANE Select); coding-DNA position 7174, C replaced by T.
Protein change: p.Arg2392Trp; replaces arginine 2392 with tryptophan.
Molecular consequence: missense variant. On other transcripts: intron variant (2).
Genome position (GRCh38, 1-based): chr11:108,329,105, C>T. VCF-style: chr11-108329105-C-T. GRCh37 (hg19) VCF-style: chr11-108199832-C-T.
Other names: c.7174C>T, p.Arg2392Trp (NM_001351834.2); c.641-20034G>A (NM_001330368.2); c.*38+6115G>A (NM_001351110.2); short protein forms R2392W.
Identifiers: ClinVar variation 186868 (VCV000186868.47), dbSNP rs149827260, ClinGen allele CA196089.